The following is an entry in ClinVar:

NM_001161352.2(KCNMA1):c.860A>T (p.Gln287Leu)

Gene: KCNMA1 (potassium calcium-activated channel subfamily M alpha 1; minus strand). Cytogenetic location: 10q22.3.
Variant type: single nucleotide variant.
Coding change: c.860A>T on transcript NM_001161352.2 (MANE Select); coding-DNA position 860, A replaced by T.
Protein change: p.Gln287Leu; replaces glutamine 287 with leucine.
Molecular consequence: missense variant.
Genome position (GRCh38, 1-based): chr10:77,120,997, T>A on the plus strand (A>T on the coding strand, the complement: KCNMA1 is on the minus strand). VCF-style: chr10-77120997-T-A. GRCh37 (hg19) VCF-style: chr10-78880755-T-A.
Other names: c.860A>T, p.Gln287Leu (NM_001014797.3, NM_001161353.2, NM_001271519.2 and 9 more transcripts); c.698A>T, p.Gln233Leu (NM_001271518.2); c.320A>T, p.Gln107Leu (NM_001322838.2); c.992A>T, p.Gln331Leu (NM_001437422.1); short protein forms Q107L, Q233L, Q287L, Q331L.
Identifiers: ClinVar variation 5009460 (VCV005009460.1).

ClinVar aggregate classification (germline): Uncertain significance (1 of 4 stars; one submission).

Submission:

GeneDx
Classification: Uncertain significance. Last evaluated: 2026-03-19. Review status: criteria provided, single submitter. Criteria: GeneDx Variant Classification Process June 2021. Collection method: clinical testing. Allele origin: germline.
Comment: Not observed at significant frequency in large population cohorts (gnomAD); In silico analysis supports that this missense variant has a deleterious effect on protein structure/function; Has not been previously published as pathogenic or benign to our knowledge